The following is an entry in ClinVar:

ClinVar aggregate classification (germline): Likely benign (1 of 4 stars; one submission).

Submission:

CeGaT Center for Human Genetics Tuebingen
Classification: Likely benign. Last evaluated: 2024-04-01. Review status: criteria provided, single submitter. Criteria: CeGaT Center For Human Genetics Tuebingen Variant Classification Criteria Version 2. Collection method: clinical testing. Allele origin: germline. Affected: yes. Observed: 1 variant allele.
Comment: LIAT1: BP4, BP7

NM_001013672.5(LIAT1):c.663C>T (p.Ala221=)

Genes: LIAT1 (ligand of ATE1; plus strand), LOC105371430 (uncharacterized LOC105371430; minus strand). Cytogenetic location: 17p13.3.
Variant type: single nucleotide variant.
Coding change: c.663C>T on transcript NM_001013672.5 (MANE Select); coding-DNA position 663, C replaced by T.
Protein change: p.Ala221=; no amino-acid change (alanine 221 retained).
Molecular consequence: synonymous variant.
Genome position (GRCh38, 1-based): chr17:413,506, C>T. VCF-style: chr17-413506-C-T. GRCh37 (hg19) VCF-style: chr17-263297-C-T.
Identifiers: ClinVar variation 3234343 (VCV003234343.20), dbSNP rs879959879, ClinGen allele CA8260656.
Genomic context (GRCh38, chr17:413,506, plus strand): 5'-CCTCAAGGGCTTCCACCCCGACCCCGAGGCCCTCAAGGGCTTCCACCCCGACCCCGACGC[C>T]CTCAAGGGCTTCCACCCCGACCCCGAGGCCCTCAAGGGCTTCCACCCCGACCCCGAGGCC-3'
Protein context (NP_001013694.4, residues 211-231): ALKGFHPDPD[Ala221=]LKGFHPDPEA